The following is an entry in ClinVar:

NM_014363.6(SACS):c.6650C>A (p.Pro2217Gln)

Gene: SACS (sacsin molecular chaperone; minus strand). Cytogenetic location: 13q12.12.
Variant type: single nucleotide variant.
Coding change: c.6650C>A on transcript NM_014363.6 (MANE Select); coding-DNA position 6650, C replaced by A.
Protein change: p.Pro2217Gln; replaces proline 2217 with glutamine.
Molecular consequence: missense variant.
Genome position (GRCh38, 1-based): chr13:23,337,226, G>T on the plus strand (C>A on the coding strand, the complement: SACS is on the minus strand). VCF-style: chr13-23337226-G-T. GRCh37 (hg19) VCF-style: chr13-23911365-G-T.
Other names: c.6209C>A, p.Pro2070Gln (NM_001278055.2); c.6650C>A (NM_014363.5); short protein forms P2070Q, P2217Q.
Identifiers: ClinVar variation 989211 (VCV000989211.8), dbSNP rs1868700605, ClinGen allele CA387521064.
Genomic context (GRCh38, chr13:23,337,226, plus strand): 5'-TCAGGCTTAAAACTGTTGCCTTTCCAGTCCAAAGAAAAACCTGCTGGTTTTGTCAGAAAT[G>T]GAAGGAAGCGGATTGTTTGATATTTTGCAGCAAAATCCTTTGCTCTAGGATCCCTTATTT-3'
Protein context (NP_055178.3, residues 2207-2227): AAKYQTIRFL[Pro2217Gln]FLTKPAGFSL

ClinVar aggregate classification (germline): Pathogenic/Likely pathogenic. Review status: criteria provided, multiple submitters, no conflicts (2 of 4 stars). 3 submissions from 3 submitters: Pathogenic (2); Likely pathogenic (1). Last evaluated 2022-01-01.

Conditions:
Charlevoix-Saguenay spastic ataxia (SACS). Also called: SPASTIC ATAXIA 6, AUTOSOMAL RECESSIVE; Spastic ataxia of Charlevoix-Saguenay; AUTOSOMAL RECESSIVE SPASTIC ATAXIA OF CHARLEVOIX-SAGUENAY. Identifiers: Orphanet 98, MedGen C1849140, MONDO:0010041, OMIM 270550.
Spastic paraplegia. Identifiers: MedGen C0037772, HP:0001258.

Submissions (3):

PROSPAX: an integrated multimodal progression  chart in spastic ataxias, Center for Neurology; Hertie-Institute for Clinical Brain Research
Classification: Pathogenic for Charlevoix-Saguenay spastic ataxia. Last evaluated: 2022-01-01. Review status: criteria provided, single submitter. Criteria: ACMG Guidelines, 2015. Collection method: research. Allele origin: germline. Affected: yes.

Labcorp Genetics (formerly Invitae), Labcorp
Classification: Likely pathogenic for Spastic paraplegia. Last evaluated: 2021-10-28. Review status: criteria provided, single submitter. Criteria: Invitae Variant Classification Sherloc (09022015). Collection method: clinical testing. Allele origin: germline.
Comment: This sequence change replaces proline, which is neutral and non-polar, with glutamine, which is neutral and polar, at codon 2217 of the SACS protein (p.Pro2217Gln). This variant is not present in population databases (gnomAD no frequency). This missense change has been observed in individuals with autosomal recessive spastic ataxia of Charlevoix-Saguenay (PMID: 26288984, 30638817). ClinVar contains an entry for this variant (Variation ID: 989211). Advanced modeling of protein sequence and biophysical properties (such as structural, functional, and spatial information, amino acid conservation, physicochemical variation, residue mobility, and thermodynamic stability) performed at Invitae indicates that this missense variant is expected to disrupt SACS protein function. In summary, the currently available evidence indicates that the variant is pathogenic, but additional data are needed to prove that conclusively. Therefore, this variant has been classified as Likely Pathogenic.

Paris Brain Institute, Inserm - ICM
Classification: Pathogenic for Charlevoix-Saguenay spastic ataxia. Review status: criteria provided, single submitter. Criteria: ACMG Guidelines, 2015. Collection method: clinical testing. Allele origin: unknown. Affected: yes. Observed: 1 variant allele.

Literature cited by the submitters: PubMed 26288984 (cited by Labcorp Genetics (formerly Invitae), Labcorp); PubMed 30638817 (cited by Labcorp Genetics (formerly Invitae), Labcorp).